The following is an entry in ClinVar:

NM_003001.3(SDHC):c.244dupG

Gene: SDHC (succinate dehydrogenase complex subunit C; plus strand). Cytogenetic location: 1q23.3.
Variant type: Duplication.
Coding change: c.244dupG on transcript NM_003001.3; coding-DNA position 244, one base duplicated (G).
Molecular consequence: intron variant (on NM_001035511.3).
Genome position (GRCh38, 1-based): chr1:161,356,679, G duplicated; the last of 4 consecutive G bases (chr1:161,356,676-161,356,679); duplicating any one gives the same sequence. VCF-style (leftmost placement, unchanged base first): chr1-161356675-A-AG. GRCh37 (hg19) VCF-style: chr1-161326465-A-AG.
Other names: c.242-5650dup (NM_001035511.3); c.140-5650dup (NM_001278172.3); c.185-5650dup (NM_001407121.1).
Identifiers: ClinVar variation 3951410 (VCV003951410.3).

ClinVar aggregate classification (germline): Pathogenic. Review status: criteria provided, multiple submitters, no conflicts (2 of 4 stars). 3 submissions from 3 submitters: Pathogenic (3). Last evaluated 2025-06-17.

Conditions:
Pheochromocytoma/paraganglioma syndrome 3. Also called: GLOMUS TUMORS, FAMILIAL, 3; Paragangliomas 3; SDHC-Related Hereditary Paraganglioma-Pheochromocytoma Syndrome (Paragangliomas 3); SDHC-Related Hereditary Paraganglioma-Pheochromocytoma Syndrome. Identifiers: Orphanet 29072, MedGen C1854336, MONDO:0011544, OMIM 605373.
Hereditary cancer-predisposing syndrome. Also called: Neoplastic Syndromes, Hereditary; Tumor predisposition; Hereditary Cancer Syndrome; Hereditary neoplastic syndrome. Identifiers: Orphanet 140162, MedGen C0027672, MeSH D009386, MONDO:0015356.
Gastrointestinal stromal tumor. Also called: Gastrointestinal stromal tumor, somatic; Gastrointestinal stroma tumor. Identifiers: Orphanet 44890, MedGen C0238198, MeSH D046152, MONDO:0011719, OMIM 606764, HP:0100723.

Submissions (3):

Myriad Genetics, Inc.
Classification: Pathogenic for Pheochromocytoma/paraganglioma syndrome 3. Last evaluated: 2025-06-17. Review status: criteria provided, single submitter. Criteria: Myriad Autosomal Dominant, Autosomal Recessive and X-Linked Classification Criteria (2023). Collection method: clinical testing. Allele origin: unknown.
Comment: This variant is considered pathogenic. This variant creates a frameshift predicted to result in premature protein truncation.

Ambry Genetics
Classification: Pathogenic for Hereditary cancer-predisposing syndrome. Last evaluated: 2025-05-12. Review status: criteria provided, single submitter. Criteria: Ambry Variant Classification Scheme 2023. Collection method: clinical testing. Allele origin: germline.
Comment: The c.244dupG variant, located in coding exon 5 of the SDHC gene, results from a duplication of G at nucleotide position 244, causing a translational frameshift with a predicted alternate stop codon (p.V82Gfs*16). This variant is considered to be rare based on population cohorts in the Genome Aggregation Database (gnomAD). This alteration is expected to result in loss of function by premature protein truncation or nonsense-mediated mRNA decay. As such, this alteration is interpreted as a disease-causing mutation.

Labcorp Genetics (formerly Invitae), Labcorp
Classification: Pathogenic for Pheochromocytoma/paraganglioma syndrome 3; Gastrointestinal stromal tumor. Last evaluated: 2025-04-10. Review status: criteria provided, single submitter. Criteria: Invitae Variant Classification Sherloc (09022015). Collection method: clinical testing. Allele origin: germline.
Comment: This sequence change creates a premature translational stop signal (p.Val82Glyfs*16) in the SDHC gene. It is expected to result in an absent or disrupted protein product. Loss-of-function variants in SDHC are known to be pathogenic (PMID: 17667967, 19454582, 23282968, 24758179). This variant is not present in population databases (gnomAD no frequency). This variant has not been reported in the literature in individuals affected with SDHC-related conditions. Algorithms developed to predict the effect of sequence changes on RNA splicing suggest that this variant may disrupt the consensus splice site. For these reasons, this variant has been classified as Pathogenic.

Literature cited by the submitters: PubMed 17667967 (cited by Labcorp Genetics (formerly Invitae), Labcorp); PubMed 19454582 (cited by Labcorp Genetics (formerly Invitae), Labcorp); PubMed 23282968 (cited by Labcorp Genetics (formerly Invitae), Labcorp); PubMed 24758179 (cited by Labcorp Genetics (formerly Invitae), Labcorp).